The following is an entry in ClinVar:

ClinVar aggregate classification (germline): Likely pathogenic (1 of 4 stars; one submission).

Conditions:
Branchiootorenal syndrome 1. Also called: Branchio-Oto-Renal Syndrome 1. Identifiers: Orphanet 107, MedGen C4551702, MONDO:0007236, OMIM 113650.

Submission:

MVZ Medizinische Genetik Mainz
Classification: Likely pathogenic for Branchiootorenal syndrome 1. Last evaluated: 2026-06-15. Review status: criteria provided, single submitter. Criteria: UK Practice Guidelines For Variant Classification V4 01 2020. Collection method: clinical testing. Allele origin: germline. Inheritance: Autosomal dominant inheritance. Affected: yes. Observed: 1 variant allele.
Comment: ACMG Criteria: PP3_STR,PM1_SUP,PM2_SUP,PP2

NM_000503.6(EYA1):c.1663G>C (p.Gly555Arg)

Gene: EYA1 (EYA transcriptional coactivator and phosphatase 1; minus strand). Cytogenetic location: 8q13.3.
Variant type: single nucleotide variant.
Coding change: c.1663G>C on transcript NM_000503.6 (MANE Select); coding-DNA position 1663, G replaced by C.
Protein change: p.Gly555Arg; replaces glycine 555 with arginine.
Molecular consequence: missense variant.
Genome position (GRCh38, 1-based): chr8:71,211,191, C>G on the plus strand (G>C on the coding strand, the complement: EYA1 is on the minus strand). VCF-style: chr8-71211191-C-G. GRCh37 (hg19) VCF-style: chr8-72123426-C-G.
Other names: c.1645G>C, p.Gly549Arg (NM_001288574.2, NM_172059.5); c.1297G>C, p.Gly433Arg (NM_001288575.2); c.1750G>C, p.Gly584Arg (NM_001370333.1); c.1663G>C, p.Gly555Arg (NM_001370334.1, NM_001370335.1, NM_172058.4); c.1642G>C, p.Gly548Arg (NM_001370336.1); c.1564G>C, p.Gly522Arg (NM_001411797.1, NM_172060.4); short protein forms G433R, G522R, G548R, G549R, G555R, G584R.
Identifiers: ClinVar variation 4879877 (VCV004879877.1).